The following is an entry in ClinVar:

ClinVar aggregate classification (germline): Uncertain significance. Review status: criteria provided, multiple submitters, no conflicts (2 of 4 stars). 6 submissions from 6 submitters: Uncertain significance (6). Last evaluated 2026-09-30.

Conditions:
Emery-Dreifuss muscular dystrophy 4, autosomal dominant (EDMD4). Also called: EMERY-DREIFUSS MUSCULAR DYSTROPHY 4 WITH VARIABLE FEATURES. Identifiers: Orphanet 261, MedGen C2751807, MONDO:0013071, OMIM 612998.
Autosomal recessive ataxia, Beauce type. Also called: Spinocerebellar ataxia, autosomal recessive 8; ATAXIA, RECESSIVE, OF BEAUCE; SYNE1 Deficiency; SYNE1-Related Autosomal Recessive Cerebellar Ataxia. Identifiers: Orphanet 88644, MedGen C1853116, MONDO:0012549, OMIM 610743.

Allele frequency attached by ClinVar (database versions not stated): gnomAD exomes 0.00003 and 0.00006; ExAC 0.00009; ESP Exome Variant Server 0.00015; gnomAD 0.00015 and 0.00011; TOPMed 0.00018; 1000 Genomes Project 0.00020; 1000 Genomes Project 30x 0.00031.
gnomAD v4.1: 72 of 1,614,074 alleles (0.0045%); highest among the groups gnomAD compares: African/African-American, 0.048%; no homozygotes.

Submissions (6):

GeneDx
Classification: Uncertain significance. Last evaluated: 2026-09-30. Review status: criteria provided, single submitter. Criteria: GeneDx Variant Classification Process June 2021. Collection method: clinical testing. Allele origin: germline.
Comment: In silico analysis suggests that this missense variant does not alter protein structure/function; Has not been previously published as pathogenic or benign to our knowledge

Athena Diagnostics
Classification: Uncertain significance. Last evaluated: 2025-09-15. Review status: criteria provided, single submitter. Criteria: Athena Diagnostics Criteria. Collection method: clinical testing. Allele origin: unknown.
Comment: Available data are insufficient to determine the clinical significance of the variant at this time. The frequency of this variant in the general population is uninformative in assessment of its pathogenicity. Polyphen and MutationTaster predict this amino acid change may be benign.

Labcorp Genetics (formerly Invitae), Labcorp
Classification: Uncertain significance for Emery-Dreifuss muscular dystrophy 4, autosomal dominant; Autosomal recessive ataxia, Beauce type. Last evaluated: 2024-01-29. Review status: criteria provided, single submitter. Criteria: Invitae Variant Classification Sherloc (09022015). Collection method: clinical testing. Allele origin: germline.
Comment: This sequence change replaces threonine, which is neutral and polar, with methionine, which is neutral and non-polar, at codon 3795 of the SYNE1 protein (p.Thr3795Met). This variant is present in population databases (rs375577011, gnomAD 0.04%). This variant has not been reported in the literature in individuals affected with SYNE1-related conditions. ClinVar contains an entry for this variant (Variation ID: 470991). An algorithm developed to predict the effect of missense changes on protein structure and function (PolyPhen-2) suggests that this variant¬¨‚Ä†is likely to be tolerated. In summary, the available evidence is currently insufficient to determine the role of this variant in disease. Therefore, it has been classified as a Variant of Uncertain Significance.

Revvity Omics, Revvity
Classification: Uncertain significance. Last evaluated: 2020-03-21. Review status: criteria provided, single submitter. Criteria: ACMG Guidelines, 2015. Collection method: clinical testing. Allele origin: germline.

Fulgent Genetics
Classification: Uncertain significance for Autosomal recessive ataxia, Beauce type; Emery-Dreifuss muscular dystrophy 4, autosomal dominant. Last evaluated: 2018-10-31. Review status: criteria provided, single submitter. Criteria: ACMG Guidelines, 2015. Collection method: clinical testing. Allele origin: unknown.

Eurofins Ntd Llc (ga)
Classification: Uncertain significance. Last evaluated: 2017-09-19. Review status: criteria provided, single submitter. Criteria: EGL Classification Definitions 2015. Collection method: clinical testing. Allele origin: germline. Observed: 1 variant allele, 1 heterozygote.

NM_182961.4(SYNE1):c.11429C>T (p.Thr3810Met)

Gene: SYNE1 (spectrin repeat containing nuclear envelope protein 1; minus strand). Cytogenetic location: 6q25.2.
Variant type: single nucleotide variant.
Coding change: c.11429C>T on transcript NM_182961.4 (MANE Select); coding-DNA position 11429, C replaced by T.
Protein change: p.Thr3810Met; replaces threonine 3810 with methionine.
Molecular consequence: missense variant.
Genome position (GRCh38, 1-based): chr6:152,352,178, G>A on the plus strand (C>T on the coding strand, the complement: SYNE1 is on the minus strand). VCF-style: chr6-152352178-G-A. GRCh37 (hg19) VCF-style: chr6-152673313-G-A.
Other names: c.11384C>T, p.Thr3795Met (NM_033071.5); c.11429C>T (NM_182961.2); short protein forms T3810M, T3795M.
Identifiers: ClinVar variation 470991 (VCV000470991.20), dbSNP rs375577011, ClinGen allele CA4056693.